The following is an entry in ClinVar:

NM_001267550.2(TTN):c.76013del (p.Gly25338fs)

Genes: TTN (titin; minus strand), TTN-AS1 (TTN antisense RNA 1; plus strand). Cytogenetic location: 2q31.2.
Variant type: Deletion.
Coding change: c.76013del on transcript NM_001267550.2 (MANE Select); coding-DNA position 76013, one base deleted (G; older notation c.76013delG).
Protein change: p.Gly25338fs; shifts the reading frame from glycine 25338.
Molecular consequence: frameshift variant.
Genome position (GRCh38, 1-based): chr2:178,570,119, C deleted on the plus strand (G on the coding strand, the reverse complement: TTN is on the minus strand); the first of 2 consecutive C bases (chr2:178,570,119-178,570,120); deleting either gives the same sequence. VCF-style (leftmost placement, unchanged base first): chr2-178570118-TC-T. GRCh37 (hg19) VCF-style: chr2-179434845-TC-T.
Other names: c.71090del, p.Gly23697fs (NM_001256850.1); c.48818del, p.Gly16273fs (NM_003319.4); c.68309del, p.Gly22770fs (NM_133378.4); c.49193del, p.Gly16398fs (NM_133432.3); c.49394del, p.Gly16465fs (NM_133437.4); c.48818delG (NM_003319.4); short protein forms G16273fs, G16398fs, G16465fs, G22770fs, G23697fs, G25338fs.
Identifiers: ClinVar variation 4866201 (VCV004866201.1).

ClinVar aggregate classification (germline): Likely pathogenic (1 of 4 stars; one submission).

Conditions:
Cardiovascular phenotype. Identifiers: MedGen CN230736.

Submission:

Ambry Genetics
Classification: Likely pathogenic for Cardiovascular phenotype. Last evaluated: 2026-04-28. Review status: criteria provided, single submitter. Criteria: Ambry Variant Classification Scheme 2023. Collection method: clinical testing. Allele origin: germline.
Comment: The c.48818delG variant, located in coding exon 153 of the TTN gene, results from a deletion of one nucleotide at nucleotide position 48818, causing a translational frameshift with a predicted alternate stop codon (p.G16273Dfs*21). This exon is located in the A-band region of the N2-B isoform of the titin protein and is constitutively expressed in TTN transcripts (percent spliced in or PSI 100%). This variant is considered to be rare based on population cohorts in the Genome Aggregation Database (gnomAD). This variant is expected to result in loss of function by premature protein truncation or nonsense-mediated mRNA decay. While truncating variants in TTN are present in 1-3% of the general population, truncating variants in the A-band are the most common cause of dilated cardiomyopathy (Herman DS et al. N. Engl. J. Med., 2012 Feb;366:619-28; Roberts AM et al. Sci Transl Med, 2015 Jan;7:270ra6). TTN truncating variants encoded in constitutive exons (PSI >90%) have been found to be significantly associated with DCM regardless of their position in titin (Schafer S et al. Nat. Genet., 2017 01;49:46-53; Akhtar MM et al. Circ Heart Fail, 2020 Oct;13:e006832; Massier M et al. Clin Genet, 2025 Jan). Based on the majority of available evidence to date, this variant is likely to be pathogenic.